The following is an entry in ClinVar:

ClinVar aggregate classification (germline): Uncertain significance. Review status: criteria provided, multiple submitters, no conflicts (2 of 4 stars). 3 submissions from 3 submitters: Uncertain significance (3). Last evaluated 2025-04-16.

Conditions:
Inborn genetic diseases. Identifiers: MedGen C0950123, MeSH D030342.
Bardet-Biedl syndrome (BBS). Identifiers: Orphanet 110, MedGen C0752166, MONDO:0015229.

Allele frequency attached by ClinVar (database versions not stated): TOPMed 0.00003; gnomAD 0.00004 and 0.00005; gnomAD exomes 0.00011; ExAC 0.00017.

Submissions (3):

Labcorp Genetics (formerly Invitae), Labcorp
Classification: Uncertain significance for Bardet-Biedl syndrome. Last evaluated: 2025-04-16. Review status: criteria provided, single submitter. Criteria: Invitae Variant Classification Sherloc (09022015). Collection method: clinical testing. Allele origin: germline.
Comment: This sequence change replaces methionine, which is neutral and non-polar, with leucine, which is neutral and non-polar, at codon 324 of the BBS2 protein (p.Met324Leu). This variant is present in population databases (rs778551017, gnomAD 0.02%). This variant has not been reported in the literature in individuals affected with BBS2-related conditions. ClinVar contains an entry for this variant (Variation ID: 1423327). Invitae Evidence Modeling of protein sequence and biophysical properties (such as structural, functional, and spatial information, amino acid conservation, physicochemical variation, residue mobility, and thermodynamic stability) indicates that this missense variant is not expected to disrupt BBS2 protein function with a negative predictive value of 80%. In summary, the available evidence is currently insufficient to determine the role of this variant in disease. Therefore, it has been classified as a Variant of Uncertain Significance.

Blueprint Genetics
Classification: Uncertain significance. Last evaluated: 2024-07-16. Review status: criteria provided, single submitter. Criteria: ACMG Guidelines, 2015. Collection method: clinical testing. Allele origin: germline.

Ambry Genetics
Classification: Uncertain significance for Inborn genetic diseases. Last evaluated: 2021-07-20. Review status: criteria provided, single submitter. Criteria: Ambry Variant Classification Scheme 2023. Collection method: clinical testing. Allele origin: germline.

NM_031885.5(BBS2):c.970A>T (p.Met324Leu)

Gene: BBS2 (Bardet-Biedl syndrome 2; minus strand). Cytogenetic location: 16q13.
Variant type: single nucleotide variant.
Coding change: c.970A>T on transcript NM_031885.5 (MANE Select); coding-DNA position 970, A replaced by T.
Protein change: p.Met324Leu; replaces methionine 324 with leucine.
Molecular consequence: missense variant. On other transcripts: non-coding transcript variant (5).
Genome position (GRCh38, 1-based): chr16:56,502,427, T>A on the plus strand (A>T on the coding strand, the complement: BBS2 is on the minus strand). VCF-style: chr16-56502427-T-A. GRCh37 (hg19) VCF-style: chr16-56536339-T-A.
Other names: c.970A>T, p.Met324Leu (NM_001377456.1); c.970A>T (NM_031885.3); short protein forms M324L.
Identifiers: ClinVar variation 1423327 (VCV001423327.6), dbSNP rs778551017, ClinGen allele CA8065854.